The following is an entry in ClinVar:

ClinVar aggregate classification (germline): Uncertain significance (1 of 4 stars; one submission).

Submission:

Labcorp Genetics (formerly Invitae), Labcorp
Classification: Uncertain significance. Last evaluated: 2025-10-22. Review status: criteria provided, single submitter. Criteria: Invitae Variant Classification Sherloc (09022015). Collection method: clinical testing. Allele origin: germline.
Comment: This sequence change replaces alanine, which is neutral and non-polar, with valine, which is neutral and non-polar, at codon 1749 of the LAMA1 protein (p.Ala1749Val). This variant is not present in population databases (gnomAD no frequency). This variant has not been reported in the literature in individuals affected with LAMA1-related conditions. ClinVar contains an entry for this variant (Variation ID: 1500142). Invitae Evidence Modeling of protein sequence and biophysical properties (such as structural, functional, and spatial information, amino acid conservation, physicochemical variation, residue mobility, and thermodynamic stability) indicates that this missense variant is not expected to disrupt LAMA1 protein function with a negative predictive value of 80%. In summary, the available evidence is currently insufficient to determine the role of this variant in disease. Therefore, it has been classified as a Variant of Uncertain Significance.

NM_005559.4(LAMA1):c.5246C>T (p.Ala1749Val)

Gene: LAMA1 (laminin subunit alpha 1; minus strand). Cytogenetic location: 18p11.31.
Variant type: single nucleotide variant.
Coding change: c.5246C>T on transcript NM_005559.4 (MANE Select); coding-DNA position 5246, C replaced by T.
Protein change: p.Ala1749Val; replaces alanine 1749 with valine.
Molecular consequence: missense variant.
Genome position (GRCh38, 1-based): chr18:6,986,270, G>A on the plus strand (C>T on the coding strand, the complement: LAMA1 is on the minus strand). VCF-style: chr18-6986270-G-A. GRCh37 (hg19) VCF-style: chr18-6986269-G-A.
Other names: short protein forms A1749V.
Identifiers: ClinVar variation 1500142 (VCV001500142.6), dbSNP rs2144060081, ClinGen allele CA401839192.
Genomic context (GRCh38, chr18:6,986,270, plus strand): 5'-CTCACGAGCGCCTCAGCCGCCTTTAGTTCATTGTTGTGCTTTGAAAGGACGTGGCTTGCT[G>A]CTTCTTTCAATACCTCCAATTCTTCCAGCGGCTTCTGGTAATTTTCCTGAATTTGTGACA-3'
Protein context (NP_005550.2, residues 1739-1759): PLEELEVLKE[Ala1749Val]ASHVLSKHNN